The following is an entry in ClinVar:

NM_007294.4(BRCA1):c.1144G>T (p.Val382Phe)

Gene: BRCA1 (BRCA1 DNA repair associated; minus strand). Cytogenetic location: 17q21.31.
Variant type: single nucleotide variant.
Coding change: c.1144G>T on transcript NM_007294.4 (MANE Select); coding-DNA position 1144, G replaced by T.
Protein change: p.Val382Phe; replaces valine 382 with phenylalanine.
Molecular consequence: missense variant. On other transcripts: intron variant (137).
Genome position (GRCh38, 1-based): chr17:43,094,387, C>A on the plus strand (G>T on the coding strand, the complement: BRCA1 is on the minus strand). VCF-style: chr17-43094387-C-A. GRCh37 (hg19) VCF-style: chr17-41246404-C-A.
Other names: c.811G>T, p.Val271Phe (NM_001407948.1, NM_001407949.1, NM_001407952.1 and 6 more transcripts); c.1003G>T, p.Val335Phe (NM_001407734.1, NM_001407738.1, NM_001407737.1 and 29 more transcripts); c.808G>T, p.Val270Phe (NM_001407954.1, NM_001407955.1, NM_001407956.1 and 1 more transcripts); c.1000G>T, p.Val334Phe (NM_001407838.1, NM_001407839.1, NM_001407841.1 and 20 more transcripts); c.931G>T, p.Val311Phe (NM_001407853.1, NM_001407894.1, NM_001407895.1 and 9 more transcripts); c.1144G>T, p.Val382Phe (NM_001407854.1, NM_001407858.1, NM_001407859.1 and 30 more transcripts); c.1141G>T, p.Val381Phe (NM_001407860.1, NM_001407861.1, NM_001407587.1 and 22 more transcripts); c.943G>T, p.Val315Phe (NM_001407862.1); and 40 more; short protein forms V382F, V335F, V294F, V315F, V340F, V379F, V86F, V214F.
Identifiers: ClinVar variation 822244 (VCV000822244.17), dbSNP rs1160165083, ClinGen allele CA10599768.

ClinVar aggregate classification (germline): Conflicting classifications of pathogenicity. Review status: criteria provided, conflicting classifications (1 of 4 stars). 3 submissions from 3 submitters: Uncertain significance (2); Likely benign (1). Last evaluated 2023-04-29.

Conditions:
Hereditary breast ovarian cancer syndrome. Also called: Hereditary breast and ovarian cancer; Breast and ovarian cancer; Hereditary breast and/or ovarian cancer syndrome; Hereditary breast and ovarian cancer syndrome; BRCA1- and BRCA2-Associated Hereditary Breast and Ovarian Cancer; Hereditary breast and ovarian cancer syndrome (HBOC). Identifiers: Orphanet 145, MedGen C0677776, MeSH D061325, MONDO:0003582. Disease mechanism: loss of function.
Hereditary cancer-predisposing syndrome. Also called: Tumor predisposition; Hereditary Cancer Syndrome; Neoplastic Syndromes, Hereditary; Hereditary neoplastic syndrome. Identifiers: Orphanet 140162, MedGen C0027672, MeSH D009386, MONDO:0015356.

Allele frequency attached by ClinVar (database versions not stated): gnomAD 0.00001.
gnomAD v4.1: 1 of 1,614,094 alleles (0.000062%); highest among the groups gnomAD compares: Admixed American, 0.0017%; no homozygotes.

Submissions (3):

Labcorp Genetics (formerly Invitae), Labcorp
Classification: Uncertain significance for Hereditary breast ovarian cancer syndrome. Last evaluated: 2023-04-29. Review status: criteria provided, single submitter. Criteria: Invitae Variant Classification Sherloc (09022015). Collection method: clinical testing. Allele origin: germline.
Comment: ClinVar contains an entry for this variant (Variation ID: 822244). In summary, the available evidence is currently insufficient to determine the role of this variant in disease. Therefore, it has been classified as a Variant of Uncertain Significance. Advanced modeling of protein sequence and biophysical properties (such as structural, functional, and spatial information, amino acid conservation, physicochemical variation, residue mobility, and thermodynamic stability) performed at Invitae indicates that this missense variant is expected to disrupt BRCA1 protein function. This variant has not been reported in the literature in individuals affected with BRCA1-related conditions. This variant is present in population databases (no rsID available, gnomAD 0.1%). This sequence change replaces valine, which is neutral and non-polar, with phenylalanine, which is neutral and non-polar, at codon 382 of the BRCA1 protein (p.Val382Phe).

University of Washington Department of Laboratory Medicine, University of Washington
Classification: Likely benign for Hereditary cancer-predisposing syndrome. Last evaluated: 2023-03-23. Review status: criteria provided, single submitter. Criteria: Dines et al. (Genet Med. 2020). Collection method: curation. Allele origin: germline.
Comment: Missense variant in a coldspot region where missense variants are very unlikely to be pathogenic (PMID:31911673).

BRCA1 coldspot (exon 11 using historical exon numbering). Reclassification based on statistical prior probability

Ambry Genetics
Classification: Uncertain significance for Hereditary cancer-predisposing syndrome. Last evaluated: 2021-12-01. Review status: criteria provided, single submitter. Criteria: Ambry Variant Classification Scheme 2023. Collection method: clinical testing. Allele origin: germline.
Comment: The p.V382F variant (also known as c.1144G>T), located in coding exon 9 of the BRCA1 gene, results from a G to T substitution at nucleotide position 1144. The valine at codon 382 is replaced by phenylalanine, an amino acid with highly similar properties. This amino acid position is highly conserved in available vertebrate species. In addition, this alteration is predicted to be deleterious by in silico analysis. Since supporting evidence is limited at this time, the clinical significance of this alteration remains unclear.